The following is an entry in ClinVar:

ClinVar aggregate classification (germline): Pathogenic (1 of 4 stars; one submission).

Conditions:
Hypertrophic cardiomyopathy. Also called: HYPERTROPHIC MYOCARDIOPATHY. Identifiers: Orphanet 217569, MedGen C0007194, MeSH D002312, MONDO:0005045, HP:0001639.

Submission:

Laboratory for Molecular Medicine, Mass General Brigham Personalized Medicine
Classification: Pathogenic for Hypertrophic cardiomyopathy. Last evaluated: 2012-01-24. Review status: criteria provided, single submitter. Criteria: LMM Criteria. Collection method: clinical testing. Allele origin: germline. Observed: 1 variant allele.
Comment: The Glu722fs variant (MYBPC3) is predicted to cause a frameshift, which alters t he protein's amino acid sequence beginning at codon 722 and leads to a premature stop codon 32 amino acids downstream. This alteration is then predicted to lea d to a truncated or absent protein. Loss of function is an established mechanis m of disease for the MYBPC3 gene in HCM, which makes it highly likely that the G lu722fs variant is pathogenic.

NM_000256.3(MYBPC3):c.2163del (p.Glu722fs)

Gene: MYBPC3 (myosin binding protein C3; minus strand). Cytogenetic location: 11p11.2.
Variant type: Deletion.
Coding change: c.2163del on transcript NM_000256.3 (MANE Select); coding-DNA position 2163, one base deleted (C; older notation c.2163delC).
Protein change: p.Glu722fs; shifts the reading frame from glutamic acid 722.
Molecular consequence: frameshift variant.
Genome position (GRCh38, 1-based): chr11:47,338,665, G deleted on the plus strand (C on the coding strand, the reverse complement: MYBPC3 is on the minus strand); the first of 2 consecutive G bases (chr11:47,338,665-47,338,666); deleting either gives the same sequence. VCF-style (leftmost placement, unchanged base first): chr11-47338664-CG-C. GRCh37 (hg19) VCF-style: chr11-47360215-CG-C.
Other names: c.2163delC (NM_000256.3); c.2163del, p.Glu722fs (LRG_386t1); short protein forms E722fs.
Identifiers: ClinVar variation 42602 (VCV000042602.4), dbSNP rs397515952, ClinGen allele CA011794.